The following is an entry in ClinVar:

NM_001253697.2(ERBIN):c.3027C>T (p.Leu1009=)

Gene: ERBIN (erbb2 interacting protein; plus strand). Cytogenetic location: 5q12.3.
Variant type: single nucleotide variant.
Coding change: c.3027C>T on transcript NM_001253697.2 (MANE Select); coding-DNA position 3027, C replaced by T.
Protein change: p.Leu1009=; no amino-acid change (leucine 1009 retained).
Molecular consequence: synonymous variant.
Genome position (GRCh38, 1-based): chr5:66,054,345, C>T. VCF-style: chr5-66054345-C-T. GRCh37 (hg19) VCF-style: chr5-65350173-C-T.
Other names: c.3027C>T, p.Leu1009= (NM_001006600.3, NM_001253698.2, NM_001253699.2 and 1 more transcripts); c.3015C>T, p.Leu1005= (NM_001253701.2); c.3027C>T (NM_001006600.2).
Identifiers: ClinVar variation 1167773 (VCV001167773.10), dbSNP rs77719384, ClinGen allele CA3286579.

ClinVar aggregate classification (germline): Benign/Likely benign. Review status: criteria provided, multiple submitters, no conflicts (2 of 4 stars). 2 submissions from 2 submitters: Benign (1); Likely benign (1). Last evaluated 2025-12-31.

Conditions:
ERBIN-related disorder. Also called: ERBIN-related condition.

Allele frequency attached by ClinVar (database versions not stated): gnomAD 0.00082 and 0.00121; TOPMed 0.00133; ExAC 0.00200; gnomAD exomes 0.00224; 1000 Genomes Project 30x 0.00453; 1000 Genomes Project 0.00519.
gnomAD v4.1: 1,594 of 1,614,152 alleles (0.099%); highest among the groups gnomAD compares: East Asian, 3%; 22 homozygotes.

Submissions (2):

Labcorp Genetics (formerly Invitae), Labcorp
Classification: Benign. Last evaluated: 2025-12-31. Review status: criteria provided, single submitter. Criteria: Invitae Variant Classification Sherloc (09022015). Collection method: clinical testing. Allele origin: germline.

PreventionGenetics, part of Exact Sciences
Classification: Likely benign for ERBIN-related condition. Last evaluated: 2025-03-31. Review status: criteria provided, single submitter. Criteria: ACMG Guidelines, 2015. Collection method: clinical testing. Allele origin: germline.
Comment: This variant is classified as likely benign based on ACMG/AMP sequence variant interpretation guidelines (Richards et al. 2015 PMID: 25741868, with internal and published modifications).